The following is an entry in ClinVar:

ClinVar aggregate classification (germline): Likely benign. Review status: criteria provided, multiple submitters, no conflicts (2 of 4 stars). 3 submissions from 3 submitters: Likely benign (3). Last evaluated 2026-05-01.

Conditions:
Malignant hyperthermia, susceptibility to, 5 (MHS5). Also called: CACNA1S-Related Malignant Hyperthermia Susceptibility. Identifiers: Orphanet 423, MedGen C1866077, MONDO:0011163, OMIM 601887.
Hypokalemic periodic paralysis, type 1. Also called: HypoPP; Hypokalemic Periodic Paralysis Type 1 (AD). Identifiers: Orphanet 681, MedGen C3714580, MONDO:0042979, OMIM 170400.

Allele frequency attached by ClinVar (database versions not stated): gnomAD exomes below 0.00001; TOPMed 0.00002.
gnomAD v4.1: 24 of 1,614,096 alleles (0.0015%); highest among the groups gnomAD compares: Non-Finnish European, 0.0018%; no homozygotes.

Submissions (3):

CeGaT Center for Human Genetics Tuebingen
Classification: Likely benign. Last evaluated: 2026-05-01. Review status: criteria provided, single submitter. Criteria: CeGaT Center For Human Genetics Tuebingen Variant Classification Criteria Version 2. Collection method: clinical testing. Allele origin: germline. Affected: yes. Observed: 1 variant allele.
Comment: CACNA1S: BP4, BP7

Labcorp Genetics (formerly Invitae), Labcorp
Classification: Likely benign for Hypokalemic periodic paralysis, type 1; Malignant hyperthermia, susceptibility to, 5. Last evaluated: 2025-08-10. Review status: criteria provided, single submitter. Criteria: Invitae Variant Classification Sherloc (09022015). Collection method: clinical testing. Allele origin: germline.

Color Diagnostics, LLC DBA Color Health
Classification: Likely benign for Malignant hyperthermia, susceptibility to, 5. Last evaluated: 2022-11-06. Review status: criteria provided, single submitter. Criteria: ACMG Guidelines, 2015. Collection method: clinical testing. Allele origin: germline.

NM_000069.3(CACNA1S):c.639C>T (p.Ile213=)

Gene: CACNA1S (calcium voltage-gated channel subunit alpha1 S; minus strand). Cytogenetic location: 1q32.1.
Variant type: single nucleotide variant.
Coding change: c.639C>T on transcript NM_000069.3 (MANE Select); coding-DNA position 639, C replaced by T.
Protein change: p.Ile213=; no amino-acid change (isoleucine 213 retained).
Molecular consequence: synonymous variant.
Genome position (GRCh38, 1-based): chr1:201,091,695, G>A on the plus strand (C>T on the coding strand, the complement: CACNA1S is on the minus strand). VCF-style: chr1-201091695-G-A. GRCh37 (hg19) VCF-style: chr1-201060823-G-A.
Identifiers: ClinVar variation 541071 (VCV000541071.13), dbSNP rs1229722414, ClinGen allele CA422815322.